The following is an entry in ClinVar:

NM_003737.4(DCHS1):c.7759C>G (p.Pro2587Ala)

Gene: DCHS1 (dachsous cadherin-related 1; minus strand). Cytogenetic location: 11p15.4.
Variant type: single nucleotide variant.
Coding change: c.7759C>G on transcript NM_003737.4 (MANE Select); coding-DNA position 7759, C replaced by G.
Protein change: p.Pro2587Ala; replaces proline 2587 with alanine.
Molecular consequence: missense variant.
Genome position (GRCh38, 1-based): chr11:6,623,917, G>C on the plus strand (C>G on the coding strand, the complement: DCHS1 is on the minus strand). VCF-style: chr11-6623917-G-C. GRCh37 (hg19) VCF-style: chr11-6645148-G-C.
Other names: short protein forms P2587A.
Identifiers: ClinVar variation 4745349 (VCV004745349.1).

ClinVar aggregate classification (germline): Uncertain significance (1 of 4 stars; one submission).

Submission:

Labcorp Genetics (formerly Invitae), Labcorp
Classification: Uncertain significance. Last evaluated: 2025-04-17. Review status: criteria provided, single submitter. Criteria: Invitae Variant Classification Sherloc (09022015). Collection method: clinical testing. Allele origin: germline.
Comment: This sequence change replaces proline, which is neutral and non-polar, with alanine, which is neutral and non-polar, at codon 2587 of the DCHS1 protein (p.Pro2587Ala). This variant is not present in population databases (gnomAD no frequency). This variant has not been reported in the literature in individuals affected with DCHS1-related conditions. Invitae Evidence Modeling of protein sequence and biophysical properties (such as structural, functional, and spatial information, amino acid conservation, physicochemical variation, residue mobility, and thermodynamic stability) indicates that this missense variant is not expected to disrupt DCHS1 protein function with a negative predictive value of 80%. In summary, the available evidence is currently insufficient to determine the role of this variant in disease. Therefore, it has been classified as a Variant of Uncertain Significance.